The following is an entry in ClinVar:

NM_000540.3(RYR1):c.1003C>A (p.Pro335Thr)

Gene: RYR1 (ryanodine receptor 1; plus strand). Cytogenetic location: 19q13.2.
Variant type: single nucleotide variant.
Coding change: c.1003C>A on transcript NM_000540.3 (MANE Select); coding-DNA position 1003, C replaced by A.
Protein change: p.Pro335Thr; replaces proline 335 with threonine.
Molecular consequence: missense variant.
Genome position (GRCh38, 1-based): chr19:38,448,694, C>A. VCF-style: chr19-38448694-C-A. GRCh37 (hg19) VCF-style: chr19-38939334-C-A.
Other names: c.1003C>A, p.Pro335Thr (NM_001042723.2); short protein forms P335T.
Identifiers: ClinVar variation 3070258 (VCV003070258.1), dbSNP rs2513997096, ClinGen allele CA405682771.

ClinVar aggregate classification (germline): Uncertain significance (1 of 4 stars; one submission).

Conditions:
Malignant hyperthermia, susceptibility to, 1 (MHS1). Also called: RYR1-Related Malignant Hyperthermia Susceptibility; Anesthesia related hyperthermia; Malignant hyperpyrexia; Fulminating hyperpyrexia; Pharmacogenic myopathy; Malignant hyperthermia suceptibility 1. Identifiers: Orphanet 423, MedGen C2930980, MONDO:0007783, OMIM 145600.

Submission:

All of Us Research Program, National Institutes of Health
Classification: Uncertain significance for Malignant hyperthermia, susceptibility to, 1. Last evaluated: 2023-04-03. Review status: criteria provided, single submitter. Criteria: ACMG Guidelines, 2015. Collection method: clinical testing. Allele origin: germline. Inheritance: Autosomal dominant inheritance. Observed: 1 variant allele, 1 heterozygote.
Comment: This missense variant replaces proline with threonine at codon 335 of the RYR1 protein. Computational prediction suggests that this variant may not impact protein structure and function (internally defined REVEL score threshold <= 0.5, PMID: 27666373). To our knowledge, functional studies have not been reported for this variant. This variant has not been reported in individuals affected with RYR1-related disorders in the literature. This variant has not been identified in the general population by the Genome Aggregation Database (gnomAD). The available evidence is insufficient to determine the role of this variant in disease conclusively. Therefore, this variant is classified as a Variant of Uncertain Significance.

This study involves interpretation of variants in research participants for the purpose of population health screening. Participant phenotype was not available at the time of variant classification. Additional details can be found in publication PMID: 35346344, PMCID: PMC8962531